The following is an entry in ClinVar:

NM_032776.3(JMJD1C):c.2194_2195insAT (p.Phe732fs)

Gene: JMJD1C (jumonji domain containing 1C; minus strand). Cytogenetic location: 10q21.3.
Variant type: Insertion.
Coding change: c.2194_2195insAT on transcript NM_032776.3 (MANE Select); coding-DNA positions 2194 to 2195, AT inserted.
Protein change: p.Phe732fs; shifts the reading frame from phenylalanine 732.
Molecular consequence: frameshift variant. On other transcripts: non-coding transcript variant (1).
Genome position: GRCh38 VCF-style: chr10-63213972-A-AAT. GRCh37 (hg19) VCF-style: chr10-64973732-A-AAT.
Other names: c.1648_1649insAT, p.Phe550fs (NM_001282948.2, NM_001318154.2); c.1330_1331insAT, p.Phe444fs (NM_001318153.2); c.2080_2081insAT, p.Phe694fs (NM_001322252.2); c.1537_1538insAT, p.Phe513fs (NM_001322254.2, NM_001322258.2); short protein forms F550fs, F732fs, F513fs, F694fs, F444fs.
Identifiers: ClinVar variation 3729836 (VCV003729836.2).

ClinVar aggregate classification (germline): Uncertain significance (1 of 4 stars; one submission).

Conditions:
Early Myoclonic Encephalopathy. Identifiers: MedGen C0270855.

Submission:

Labcorp Genetics (formerly Invitae), Labcorp
Classification: Uncertain significance for Early Myoclonic Encephalopathy. Last evaluated: 2025-01-30. Review status: criteria provided, single submitter. Criteria: Invitae Variant Classification Sherloc (09022015). Collection method: clinical testing. Allele origin: germline.
Comment: This sequence change creates a premature translational stop signal (p.Phe732Tyrfs*3) in the JMJD1C gene. It is expected to result in an absent or disrupted protein product. However, the current clinical and genetic evidence is not sufficient to establish whether loss-of-function variants in JMJD1C cause disease. This variant is not present in population databases (gnomAD no frequency). This variant has not been reported in the literature in individuals affected with JMJD1C-related conditions. In summary, the available evidence is currently insufficient to determine the role of this variant in disease. Therefore, it has been classified as a Variant of Uncertain Significance.